The following is an entry in ClinVar:

NM_006415.4(SPTLC1):c.1385C>T (p.Ser462Phe)

Gene: SPTLC1 (serine palmitoyltransferase long chain base subunit 1; minus strand). Cytogenetic location: 9q22.31.
Variant type: single nucleotide variant.
Coding change: c.1385C>T on transcript NM_006415.4 (MANE Select); coding-DNA position 1385, C replaced by T.
Protein change: p.Ser462Phe; replaces serine 462 with phenylalanine.
Molecular consequence: missense variant. On other transcripts: synonymous variant (1).
Genome position (GRCh38, 1-based): chr9:92,032,502, G>A on the plus strand (C>T on the coding strand, the complement: SPTLC1 is on the minus strand). VCF-style: chr9-92032502-G-A. GRCh37 (hg19) VCF-style: chr9-94794784-G-A.
Other names: c.1353C>T, p.Val451= (NM_001281303.2); c.1019C>T, p.Ser340Phe (NM_001368272.1); c.920C>T, p.Ser307Phe (NM_001368273.1); short protein forms S340F, S307F, S462F.
Identifiers: ClinVar variation 4736902 (VCV004736902.1).

ClinVar aggregate classification (germline): Uncertain significance (1 of 4 stars; one submission).

Conditions:
Hereditary sensory and autonomic neuropathy type 1 (HSAN1). Also called: HSAN 1; HSN Type I; Hereditary Sensory Neuropathy Type I. Identifiers: Orphanet 36386, MedGen C0020071, MONDO:0018213.

Submission:

Labcorp Genetics (formerly Invitae), Labcorp
Classification: Uncertain significance for Hereditary sensory and autonomic neuropathy type 1. Last evaluated: 2025-10-13. Review status: criteria provided, single submitter. Criteria: Invitae Variant Classification Sherloc (09022015). Collection method: clinical testing. Allele origin: germline.
Comment: This sequence change replaces serine, which is neutral and polar, with phenylalanine, which is neutral and non-polar, at codon 462 of the SPTLC1 protein (p.Ser462Phe). This variant is not present in population databases (gnomAD no frequency). This variant has not been reported in the literature in individuals affected with SPTLC1-related conditions. Invitae Evidence Modeling of protein sequence and biophysical properties (such as structural, functional, and spatial information, amino acid conservation, physicochemical variation, residue mobility, and thermodynamic stability) indicates that this missense variant is not expected to disrupt SPTLC1 protein function with a negative predictive value of 80%. In summary, the available evidence is currently insufficient to determine the role of this variant in disease. Therefore, it has been classified as a Variant of Uncertain Significance.